The following is an entry in ClinVar:

NM_005591.4(MRE11):c.1414G>T (p.Glu472Ter)

Gene: MRE11 (MRE11 double strand break repair nuclease; minus strand). Cytogenetic location: 11q21.
Variant type: single nucleotide variant.
Coding change: c.1414G>T on transcript NM_005591.4 (MANE Select); coding-DNA position 1414, G replaced by T.
Protein change: p.Glu472Ter; replaces glutamic acid 472 with a stop codon.
Molecular consequence: nonsense.
Genome position (GRCh38, 1-based): chr11:94,459,494, C>A on the plus strand (G>T on the coding strand, the complement: MRE11 is on the minus strand). VCF-style: chr11-94459494-C-A. GRCh37 (hg19) VCF-style: chr11-94192660-C-A.
Other names: c.1414G>T, p.Glu472Ter (NM_001330347.2, NM_005590.4); short protein forms E472*.
Identifiers: ClinVar variation 481748 (VCV000481748.13), dbSNP rs1376550081, ClinGen allele CA382371865.

ClinVar aggregate classification (germline): Pathogenic. Review status: criteria provided, multiple submitters, no conflicts (2 of 4 stars). 2 submissions from 2 submitters: Pathogenic (2). Last evaluated 2023-09-06.

Conditions:
Ataxia-telangiectasia-like disorder (ATLD). Identifiers: MedGen C1858391, MONDO:0011457.
Hereditary cancer-predisposing syndrome. Also called: Neoplastic Syndromes, Hereditary; Tumor predisposition; Hereditary Cancer Syndrome; Hereditary neoplastic syndrome. Identifiers: Orphanet 140162, MedGen C0027672, MeSH D009386, MONDO:0015356.

Allele frequency attached by ClinVar (database versions not stated): gnomAD exomes below 0.00001; TOPMed below 0.00001; gnomAD 0.00001.
gnomAD v4.1: 3 of 1,613,882 alleles (0.00019%); highest among the groups gnomAD compares: Non-Finnish European, 0.00025%; no homozygotes.

Submissions (2):

Labcorp Genetics (formerly Invitae), Labcorp
Classification: Pathogenic for Ataxia-telangiectasia-like disorder. Last evaluated: 2023-09-06. Review status: criteria provided, single submitter. Criteria: Invitae Variant Classification Sherloc (09022015). Collection method: clinical testing. Allele origin: germline.
Comment: This sequence change creates a premature translational stop signal (p.Glu472*) in the MRE11 gene. It is expected to result in an absent or disrupted protein product. Loss-of-function variants in MRE11 are known to be pathogenic (PMID: 23080121, 23912341). This variant is not present in population databases (gnomAD no frequency). This variant has not been reported in the literature in individuals affected with MRE11-related conditions. ClinVar contains an entry for this variant (Variation ID: 481748). For these reasons, this variant has been classified as Pathogenic.

Ambry Genetics
Classification: Pathogenic for Hereditary cancer-predisposing syndrome. Last evaluated: 2016-01-28. Review status: criteria provided, single submitter. Criteria: Ambry Variant Classification Scheme 2023. Collection method: clinical testing. Allele origin: germline.
Comment: The p.E472* pathogenic mutation (also known as c.1414G>T), located in coding exon 12 of the MRE11A gene, results from a G to T substitution at nucleotide position 1414. This changes the amino acid from a glutamic acid to a stop codon within coding exon 12. Since premature stop codons are typically deleterious in nature, this alteration is interpreted as a disease-causing mutation (ACMG Recommendations for Standards for Interpretation and Reporting of Sequence Variations. Revision 2007. Genet Med. 2008;10:294).

Literature cited by the submitters: PubMed 23080121 (cited by Labcorp Genetics (formerly Invitae), Labcorp); PubMed 23912341 (cited by Labcorp Genetics (formerly Invitae), Labcorp).